The following is an entry in ClinVar:

NM_015311.3(OBSL1):c.3251C>T (p.Pro1084Leu)

Gene: OBSL1 (obscurin like cytoskeletal adaptor 1; minus strand). Cytogenetic location: 2q35.
Variant type: single nucleotide variant.
Coding change: c.3251C>T on transcript NM_015311.3 (MANE Select); coding-DNA position 3251, C replaced by T.
Protein change: p.Pro1084Leu; replaces proline 1084 with leucine.
Molecular consequence: missense variant.
Genome position (GRCh38, 1-based): chr2:219,558,435, G>A on the plus strand (C>T on the coding strand, the complement: OBSL1 is on the minus strand). VCF-style: chr2-219558435-G-A. GRCh37 (hg19) VCF-style: chr2-220423157-G-A.
Other names: c.3251C>T, p.Pro1084Leu (NM_001173431.2); short protein forms P1084L.
Identifiers: ClinVar variation 4755126 (VCV004755126.1).

ClinVar aggregate classification (germline): Uncertain significance (1 of 4 stars; one submission).

gnomAD v4.1: 56 of 1,588,502 alleles (0.0035%); highest among the groups gnomAD compares: Middle Eastern, 0.018%; no homozygotes.

Submission:

Labcorp Genetics (formerly Invitae), Labcorp
Classification: Uncertain significance. Last evaluated: 2025-04-10. Review status: criteria provided, single submitter. Criteria: Invitae Variant Classification Sherloc (09022015). Collection method: clinical testing. Allele origin: germline.
Comment: This sequence change replaces proline, which is neutral and non-polar, with leucine, which is neutral and non-polar, at codon 1084 of the OBSL1 protein (p.Pro1084Leu). The frequency data for this variant in the population databases is considered unreliable, as metrics indicate poor data quality at this position in the gnomAD database. This variant has not been reported in the literature in individuals affected with OBSL1-related conditions. An algorithm developed to predict the effect of missense changes on protein structure and function (PolyPhen-2) suggests that this variant is likely to be tolerated. In summary, the available evidence is currently insufficient to determine the role of this variant in disease. Therefore, it has been classified as a Variant of Uncertain Significance.